The following is an entry in ClinVar:

ClinVar aggregate classification (germline): Uncertain significance (1 of 4 stars; one submission).

Conditions:
Arrhythmogenic right ventricular dysplasia 13. Also called: ARRHYTHMOGENIC RIGHT VENTRICULAR CARDIOMYOPATHY 13; Arrhythmogenic right ventricular dysplasia, familial, 13. Identifiers: MedGen C3810138, MONDO:0000908, OMIM 615616.

Submission:

Labcorp Genetics (formerly Invitae), Labcorp
Classification: Uncertain significance for Arrhythmogenic right ventricular dysplasia 13. Last evaluated: 2024-04-16. Review status: criteria provided, single submitter. Criteria: Invitae Variant Classification Sherloc (09022015). Collection method: clinical testing. Allele origin: germline.
Comment: This sequence change falls in intron 8 of the CTNNA3 gene. It does not directly change the encoded amino acid sequence of the CTNNA3 protein. It affects a nucleotide within the consensus splice site. This variant is present in population databases (rs756072912, gnomAD 0.03%). This variant has not been reported in the literature in individuals affected with CTNNA3-related conditions. Variants that disrupt the consensus splice site are a relatively common cause of aberrant splicing (PMID: 17576681, 9536098). Algorithms developed to predict the effect of sequence changes on RNA splicing suggest that this variant is not likely to affect RNA splicing. In summary, the available evidence is currently insufficient to determine the role of this variant in disease. Therefore, it has been classified as a Variant of Uncertain Significance.

Literature cited by the submitters: PubMed 17576681; PubMed 9536098.

NM_013266.4(CTNNA3):c.1128+3del

Gene: CTNNA3 (catenin alpha 3; minus strand). Cytogenetic location: 10q21.3.
Variant type: Deletion.
Coding change: c.1128+3del on transcript NM_013266.4 (MANE Select); 3 bases into the intron after coding-DNA position 1128, one base deleted (G; older notation c.1128+3delG).
Molecular consequence: intron variant.
Genome position (GRCh38, 1-based): chr10:66,775,441, C deleted on the plus strand (G on the coding strand, the reverse complement: CTNNA3 is on the minus strand). VCF-style (leftmost placement, unchanged base first): chr10-66775440-TC-T. GRCh37 (hg19) VCF-style: chr10-68535198-TC-T.
Other names: c.1128+3del (NM_001127384.3).
Identifiers: ClinVar variation 3652218 (VCV003652218.2).